The following is an entry in ClinVar:

ClinVar aggregate classification (germline): Uncertain significance (1 of 4 stars; one submission).

Allele frequency attached by ClinVar (database versions not stated): gnomAD 0.00001; TOPMed 0.00001.
gnomAD v4.1: 31 of 1,614,068 alleles (0.0019%); highest among the groups gnomAD compares: Non-Finnish European, 0.0024%; no homozygotes.

Submission:

Labcorp Genetics (formerly Invitae), Labcorp
Classification: Uncertain significance. Last evaluated: 2023-04-09. Review status: criteria provided, single submitter. Criteria: Invitae Variant Classification Sherloc (09022015). Collection method: clinical testing. Allele origin: germline.
Comment: Advanced modeling of protein sequence and biophysical properties (such as structural, functional, and spatial information, amino acid conservation, physicochemical variation, residue mobility, and thermodynamic stability) has been performed at Invitae for this missense variant, however the output from this modeling did not meet the statistical confidence thresholds required to predict the impact of this variant on BEST1 protein function. In summary, the available evidence is currently insufficient to determine the role of this variant in disease. Therefore, it has been classified as a Variant of Uncertain Significance. This variant has not been reported in the literature in individuals affected with BEST1-related conditions. The frequency data for this variant in the population databases is considered unreliable, as metrics indicate poor data quality at this position in the gnomAD database. This sequence change replaces leucine, which is neutral and non-polar, with arginine, which is basic and polar, at codon 458 of the BEST1 protein (p.Leu458Arg).

NM_004183.4(BEST1):c.1373T>G (p.Leu458Arg)

Gene: BEST1 (bestrophin 1; plus strand). Cytogenetic location: 11q12.3.
Variant type: single nucleotide variant.
Coding change: c.1373T>G on transcript NM_004183.4 (MANE Select); coding-DNA position 1373, T replaced by G.
Protein change: p.Leu458Arg; replaces leucine 458 with arginine.
Molecular consequence: missense variant. On other transcripts: non-coding transcript variant (1).
Genome position (GRCh38, 1-based): chr11:61,962,527, T>G. VCF-style: chr11-61962527-T-G. GRCh37 (hg19) VCF-style: chr11-61729999-T-G.
Other names: c.1055T>G, p.Leu352Arg (NM_001363591.3); c.*268T>G (NM_001363592.2); c.401T>G, p.Leu134Arg (NM_001363593.3); c.1193T>G, p.Leu398Arg (NM_001139443.3, NM_001300787.2); c.1112T>G, p.Leu371Arg (NM_001300786.2); short protein forms L134R, L371R, L398R, L458R, L352R.
Identifiers: ClinVar variation 2901151 (VCV002901151.3), dbSNP rs1329002281, ClinGen allele CA380848693.